The following is an entry in ClinVar:

NM_014363.6(SACS):c.21-2A>C

Genes: SACS (sacsin molecular chaperone; minus strand), LOC130009366 (ATAC-STARR-seq lymphoblastoid silent region 5172; plus strand). Cytogenetic location: 13q12.12.
Variant type: single nucleotide variant.
Coding change: c.21-2A>C on transcript NM_014363.6 (MANE Select); the canonical splice acceptor site of the intron before coding-DNA position 21, A replaced by C.
Molecular consequence: splice acceptor variant.
Genome position (GRCh38, 1-based): chr13:23,375,271, T>G on the plus strand (A>C on the coding strand, the complement: SACS is on the minus strand). VCF-style: chr13-23375271-T-G. GRCh37 (hg19) VCF-style: chr13-23949410-T-G.
Other names: c.21-2A>C (NM_001437336.1); c.-333-2A>C (NM_001278055.2).
Identifiers: ClinVar variation 5003670 (VCV005003670.1).

ClinVar aggregate classification (germline): Likely pathogenic (1 of 4 stars; one submission).

Conditions:
Charlevoix-Saguenay spastic ataxia (SACS). Also called: SPASTIC ATAXIA 6, AUTOSOMAL RECESSIVE; AUTOSOMAL RECESSIVE SPASTIC ATAXIA OF CHARLEVOIX-SAGUENAY; Spastic ataxia of Charlevoix-Saguenay. Identifiers: Orphanet 98, MedGen C1849140, MONDO:0010041, OMIM 270550.

gnomAD v4.1: 1 of 1,460,208 alleles (0.000068%); highest among the groups gnomAD compares: Non-Finnish European, 0.000091%; no homozygotes.

Submission:

Myriad Genetics, Inc.
Classification: Likely pathogenic for Charlevoix-Saguenay spastic ataxia. Last evaluated: 2026-06-16. Review status: criteria provided, single submitter. Criteria: Myriad Autosomal Dominant, Autosomal Recessive and X-Linked Classification Criteria (2023). Collection method: clinical testing. Allele origin: unknown.
Comment: NM_014363.4(SACS):c.21-2A>C is a variant in a canonical splice site classified as likely pathogenic in the context of autosomal recessive spastic ataxia of Charlevoix-Saguenay. c.21-2A>C has not been observed in cases with relevant disease. Relevant functional assessments of this variant are not available in the literature. c.21-2A>C has not been observed in referenced population frequency databases. In summary, NM_014363.4(SACS):c.21-2A>C is a variant in a canonical splice site in a gene where loss of function is a known mechanism of disease and is predicted to disrupt protein function. Please note: this variant was assessed in the context of healthy population screening.